The following is an entry in ClinVar:

NM_201384.3(PLEC):c.2708T>C (p.Val903Ala)

Gene: PLEC (plectin; minus strand). Cytogenetic location: 8q24.3.
Variant type: single nucleotide variant.
Coding change: c.2708T>C on transcript NM_201384.3 (MANE Select); coding-DNA position 2708, T replaced by C.
Protein change: p.Val903Ala; replaces valine 903 with alanine.
Molecular consequence: missense variant.
Genome position (GRCh38, 1-based): chr8:143,929,967, A>G on the plus strand (T>C on the coding strand, the complement: PLEC is on the minus strand). VCF-style: chr8-143929967-A-G. GRCh37 (hg19) VCF-style: chr8-145004135-A-G.
Other names: c.2789T>C, p.Val930Ala (NM_000445.5, NM_001410941.1); c.2666T>C, p.Val889Ala (NM_201378.4); c.2642T>C, p.Val881Ala (NM_201379.3); c.3119T>C, p.Val1040Ala (NM_201380.4); c.2612T>C, p.Val871Ala (NM_201381.3); c.2708T>C, p.Val903Ala (NM_201382.4); c.2720T>C, p.Val907Ala (NM_201383.3); short protein forms V881A, V1040A, V903A, V930A, V907A, V871A, V889A.
Identifiers: ClinVar variation 4794667 (VCV004794667.1).

ClinVar aggregate classification (germline): Uncertain significance (1 of 4 stars; one submission).

Conditions:
Epidermolysis bullosa simplex 5B, with muscular dystrophy (EBS5B). Also called: EPIDERMOLYSIS BULLOSA SIMPLEX AND LIMB-GIRDLE MUSCULAR DYSTROPHY; Epidermolysis bullosa simplex with muscular dystrophy. Identifiers: Orphanet 257, MedGen C2931072, MONDO:0009181, OMIM 226670.
Epidermolysis bullosa simplex, Ogna type (EBS5A). Also called: Pidermolysis bullosa simplex 5A, Ogna type; EPIDERMOLYSIS BULLOSA SIMPLEX 5A, OGNA TYPE. Identifiers: Orphanet 79401, MedGen C0432317, MONDO:0007555, OMIM 131950.
Epidermolysis bullosa simplex 5C, with pyloric atresia (EBS5C). Also called: Epidermolysis bullosa simplex with pyloric atresia; PLEC-Related Epidermolysis Bullosa with Pyloric Atresia; PLEC1-Related Epidermolysis Bullosa with Pyloric Atresia. Identifiers: Orphanet 158684, MedGen C2677349, MONDO:0012807, OMIM 612138.
Autosomal recessive limb-girdle muscular dystrophy type 2Q (LGMDR17). Also called: MUSCULAR DYSTROPHY, LIMB-GIRDLE, AUTOSOMAL RECESSIVE 17. Identifiers: Orphanet 254361, MedGen C3150989, MONDO:0013390, OMIM 613723.
Epidermolysis bullosa simplex with nail dystrophy (EBS5D). Identifiers: MedGen C4225309, MONDO:0014661, OMIM 616487.

gnomAD v4.1: 1 of 1,611,354 alleles (0.000062%); highest among the groups gnomAD compares: Admixed American, 0.0017%; no homozygotes.

Submission:

Labcorp Genetics (formerly Invitae), Labcorp
Classification: Uncertain significance for Autosomal recessive limb-girdle muscular dystrophy type 2Q; Epidermolysis bullosa simplex, Ogna type; Epidermolysis bullosa simplex with nail dystrophy; Epidermolysis bullosa simplex 5C, with pyloric atresia; Epidermolysis bullosa simplex 5B, with muscular dystrophy. Last evaluated: 2025-04-17. Review status: criteria provided, single submitter. Criteria: Invitae Variant Classification Sherloc (09022015). Collection method: clinical testing. Allele origin: germline.
Comment: This sequence change replaces valine, which is neutral and non-polar, with alanine, which is neutral and non-polar, at codon 930 of the PLEC protein (p.Val930Ala). This variant is present in population databases (rs781879724, gnomAD 0.003%). This variant has not been reported in the literature in individuals affected with PLEC-related conditions. Invitae Evidence Modeling of protein sequence and biophysical properties (such as structural, functional, and spatial information, amino acid conservation, physicochemical variation, residue mobility, and thermodynamic stability) has been performed for this missense variant. However, the output from this modeling did not meet the statistical confidence thresholds required to predict the impact of this variant on PLEC protein function. In summary, the available evidence is currently insufficient to determine the role of this variant in disease. Therefore, it has been classified as a Variant of Uncertain Significance.